The following is an entry in ClinVar:

NM_014444.5(TUBGCP4):c.1810G>A (p.Asp604Asn)

Genes: TP53BP1 (tumor protein p53 binding protein 1; minus strand), TUBGCP4 (tubulin gamma complex component 4; plus strand). Cytogenetic location: 15q15.3.
Variant type: single nucleotide variant.
Coding change: c.1810G>A on transcript NM_014444.5 (MANE Select); coding-DNA position 1810, G replaced by A.
Protein change: p.Asp604Asn; replaces aspartic acid 604 with asparagine.
Molecular consequence: missense variant. On other transcripts: 3 prime UTR variant (5).
Genome position (GRCh38, 1-based): chr15:43,403,761, G>A. VCF-style: chr15-43403761-G-A. GRCh37 (hg19) VCF-style: chr15-43695959-G-A.
Other names: c.1813G>A, p.Asp605Asn (NM_001286414.3); c.*3622C>T (NM_001141979.3, NM_001141980.3, NM_001355001.2 and 2 more transcripts); short protein forms D604N, D605N.
Identifiers: ClinVar variation 2110630 (VCV002110630.4), dbSNP rs1483320064, ClinGen allele CA392139866.

ClinVar aggregate classification (germline): Uncertain significance (1 of 4 stars; one submission).

gnomAD v4.1: 1 of 1,613,946 alleles (0.000062%); highest among the groups gnomAD compares: South Asian, 0.0011%; no homozygotes.

Submission:

Labcorp Genetics (formerly Invitae), Labcorp
Classification: Uncertain significance. Last evaluated: 2022-03-31. Review status: criteria provided, single submitter. Criteria: Invitae Variant Classification Sherloc (09022015). Collection method: clinical testing. Allele origin: germline.
Comment: In summary, the available evidence is currently insufficient to determine the role of this variant in disease. Therefore, it has been classified as a Variant of Uncertain Significance. Algorithms developed to predict the effect of sequence changes on RNA splicing suggest that this variant may disrupt the consensus splice site. Algorithms developed to predict the effect of missense changes on protein structure and function (SIFT, PolyPhen-2, Align-GVGD) all suggest that this variant is likely to be tolerated. This variant has not been reported in the literature in individuals affected with TUBGCP4-related conditions. The frequency data for this variant in the population databases is considered unreliable, as metrics indicate poor data quality at this position in the gnomAD database. This sequence change replaces aspartic acid, which is acidic and polar, with asparagine, which is neutral and polar, at codon 605 of the TUBGCP4 protein (p.Asp605Asn).